The following is an entry in ClinVar:

ClinVar aggregate classification (germline): Uncertain significance (1 of 4 stars; one submission).

Conditions:
Emery-Dreifuss muscular dystrophy 5, autosomal dominant (EDMD5). Also called: EMERY-DREIFUSS MUSCULAR DYSTROPHY 5. Identifiers: Orphanet 261, MedGen C2751805, MONDO:0013072, OMIM 612999.

Allele frequency attached by ClinVar (database versions not stated): gnomAD 0.00001; gnomAD exomes 0.00001 and 0.00003; TOPMed 0.00002; ExAC 0.00003.
gnomAD v4.1: 10 of 1,613,714 alleles (0.00062%); highest among the groups gnomAD compares: Admixed American, 0.015%; no homozygotes.

Submission:

Labcorp Genetics (formerly Invitae), Labcorp
Classification: Uncertain significance for Emery-Dreifuss muscular dystrophy 5, autosomal dominant. Last evaluated: 2022-06-20. Review status: criteria provided, single submitter. Criteria: Invitae Variant Classification Sherloc (09022015). Collection method: clinical testing. Allele origin: germline.
Comment: Algorithms developed to predict the effect of missense changes on protein structure and function (SIFT, PolyPhen-2, Align-GVGD) all suggest that this variant is likely to be tolerated. This sequence change replaces isoleucine, which is neutral and non-polar, with phenylalanine, which is neutral and non-polar, at codon 2693 of the SYNE2 protein (p.Ile2693Phe). This variant is present in population databases (rs746691289, gnomAD 0.02%). This variant has not been reported in the literature in individuals affected with SYNE2-related conditions. In summary, the available evidence is currently insufficient to determine the role of this variant in disease. Therefore, it has been classified as a Variant of Uncertain Significance.

NM_182914.3(SYNE2):c.8077A>T (p.Ile2693Phe)

Gene: SYNE2 (spectrin repeat containing nuclear envelope protein 2; plus strand). Cytogenetic location: 14q23.2.
Variant type: single nucleotide variant.
Coding change: c.8077A>T on transcript NM_182914.3 (MANE Select); coding-DNA position 8077, A replaced by T.
Protein change: p.Ile2693Phe; replaces isoleucine 2693 with phenylalanine.
Molecular consequence: missense variant.
Genome position (GRCh38, 1-based): chr14:64,051,990, A>T. VCF-style: chr14-64051990-A-T. GRCh37 (hg19) VCF-style: chr14-64518708-A-T.
Other names: c.8077A>T, p.Ile2693Phe (NM_015180.6); short protein forms I2693F.
Identifiers: ClinVar variation 1347970 (VCV001347970.8), dbSNP rs746691289, ClinGen allele CA7221059.
Genomic context (GRCh38, chr14:64,051,990, plus strand): 5'-CAGGCTACCAAGCATGGATTTTCTGTTTTAAAGGGGCAAGCTGAACTTCAGATGAAGAGG[A>T]TTTGGGGAGAAAAAGAAAAGAAGAATTTGGAGGATGGAATAAATAACTTGAAGAAACAAT-3'
Protein context (NP_878918.2, residues 2683-2703): KGQAELQMKR[Ile2693Phe]WGEKEKKNLE